The following is an entry in ClinVar:

NM_002281.4(KRT81):c.1395C>T (p.Thr465=)

Genes: KRT81 (keratin 81; minus strand), KRT86 (keratin 86; plus strand). Cytogenetic location: 12q13.13.
Variant type: single nucleotide variant.
Coding change: c.1395C>T on transcript NM_002281.4 (MANE Select); coding-DNA position 1395, C replaced by T.
Protein change: p.Thr465=; no amino-acid change (threonine 465 retained).
Molecular consequence: synonymous variant. On other transcripts: intron variant (1).
Genome position (GRCh38, 1-based): chr12:52,286,378, G>A on the plus strand (C>T on the coding strand, the complement: KRT81 is on the minus strand). VCF-style: chr12-52286378-G-A. GRCh37 (hg19) VCF-style: chr12-52680162-G-A.
Other names: c.-5+10432G>A (NM_001320198.2).
Identifiers: ClinVar variation 3050009 (VCV003050009.2), dbSNP rs138017582, ClinGen allele CA6576296.
Genomic context (GRCh38, chr12:52,286,378, plus strand): 5'-CACGCCGCAGGAACCCCCTCCGCAGGTGGTGTTCAATTGGCCGCAGGGCGCACACAGGCC[G>A]GTGCTCACCGCCACGTTCCCGTTGCACGGAGCGCTGCAGACACTGCCAGTCACTGGCCGG-3'
Protein context (NP_002272.2, residues 455-475): APCNGNVAVS[Thr465=]GLCAPCGQLN

ClinVar aggregate classification (germline): Likely benign (0 of 4 stars; one submission).

Conditions:
KRT81-related disorder. Also called: KRT81-related condition.

Allele frequency attached by ClinVar (database versions not stated): gnomAD exomes 0.00006; 1000 Genomes Project 0.00080; ExAC 0.00084; gnomAD 0.00087; 1000 Genomes Project 30x 0.00094; ESP Exome Variant Server 0.00102.
gnomAD v4.1: 220 of 1,555,340 alleles (0.014%); highest among the groups gnomAD compares: African/African-American, 0.27%; no homozygotes.

Submission:

PreventionGenetics, part of Exact Sciences
Classification: Likely benign for KRT81-related condition. Last evaluated: 2019-07-11. Review status: no assertion criteria provided. Collection method: clinical testing. Allele origin: germline.
Comment: This variant is classified as likely benign based on ACMG/AMP sequence variant interpretation guidelines (Richards et al. 2015 PMID: 25741868, with internal and published modifications).